The following is an entry in ClinVar:

NM_015909.4(NBAS):c.6985_6986delinsTT (p.Glu2329Leu)

Gene: NBAS (NBAS subunit of NRZ tethering complex; minus strand). Cytogenetic location: 2p24.3.
Variant type: Indel.
Coding change: c.6985_6986delinsTT on transcript NM_015909.4 (MANE Select); coding-DNA positions 6985 to 6986, GA replaced by TT.
Protein change: p.Glu2329Leu; replaces glutamic acid 2329 with leucine.
Molecular consequence: missense variant. On other transcripts: non-coding transcript variant (1).
Genome position (GRCh38, 1-based): chr2:15,167,178-15,167,179, TC replaced by AA on the plus strand (GA replaced by TT on the coding strand, the reverse complement: NBAS is on the minus strand). VCF-style: chr2-15167178-TC-AA. GRCh37 (hg19) VCF-style: chr2-15307302-TC-AA.
Other names: short protein forms E2329L.
Identifiers: ClinVar variation 2873111 (VCV002873111.3), dbSNP rs2527904944, ClinGen allele CA2739274137.

ClinVar aggregate classification (germline): Uncertain significance (1 of 4 stars; one submission).

Submission:

Labcorp Genetics (formerly Invitae), Labcorp
Classification: Uncertain significance. Last evaluated: 2023-08-08. Review status: criteria provided, single submitter. Criteria: Invitae Variant Classification Sherloc (09022015). Collection method: clinical testing. Allele origin: germline.
Comment: This sequence change replaces glutamic acid, which is acidic and polar, with leucine, which is neutral and non-polar, at codon 2329 of the NBAS protein (p.Glu2329Leu). Information on the frequency of this variant in the gnomAD database is not available, as this variant may be reported differently in the database. This variant has not been reported in the literature in individuals affected with NBAS-related conditions. An algorithm developed to predict the effect of missense changes on protein structure and function (PolyPhen-2) suggests that this variant is likely to be tolerated. In summary, the available evidence is currently insufficient to determine the role of this variant in disease. Therefore, it has been classified as a Variant of Uncertain Significance.